The following is an entry in ClinVar:

ClinVar aggregate classification (germline): Likely pathogenic. Review status: criteria provided, multiple submitters, no conflicts (2 of 4 stars). 2 submissions from 2 submitters: Likely pathogenic (2). Last evaluated 2023-09-08.

Conditions:
CDH23-related disorder. Also called: CDH23-related disorders; CDH23-related condition.

Submissions (2):

Labcorp Genetics (formerly Invitae), Labcorp
Classification: Likely pathogenic. Last evaluated: 2023-09-08. Review status: criteria provided, single submitter. Criteria: Invitae Variant Classification Sherloc (09022015). Collection method: clinical testing. Allele origin: germline.
Comment: This sequence change affects a donor splice site in intron 20 of the CDH23 gene. It is expected to disrupt RNA splicing. Variants that disrupt the donor or acceptor splice site typically lead to a loss of protein function (PMID: 16199547), and loss-of-function variants in CDH23 are known to be pathogenic (PMID: 11138009, 21940737). This variant is not present in population databases (gnomAD no frequency). This variant has not been reported in the literature in individuals affected with CDH23-related conditions. ClinVar contains an entry for this variant (Variation ID: 2048393). Algorithms developed to predict the effect of sequence changes on RNA splicing suggest that this variant may disrupt the consensus splice site. In summary, the currently available evidence indicates that the variant is pathogenic, but additional data are needed to prove that conclusively. Therefore, this variant has been classified as Likely Pathogenic.

Blueprint Genetics
Classification: Likely pathogenic for CDH23-related disorders. Last evaluated: 2021-09-17. Review status: criteria provided, single submitter. Criteria: ACMG Guidelines, 2015. Collection method: clinical testing. Allele origin: germline. Affected: yes. Observed: 1 variant allele.

Literature cited by the submitters: PubMed 16199547 (cited by Labcorp Genetics (formerly Invitae), Labcorp); PubMed 11138009 (cited by Labcorp Genetics (formerly Invitae), Labcorp); PubMed 21940737 (cited by Labcorp Genetics (formerly Invitae), Labcorp).

NM_022124.6(CDH23):c.2176+1G>A

Gene: CDH23 (cadherin related 23; plus strand). Cytogenetic location: 10q22.1.
Variant type: single nucleotide variant.
Coding change: c.2176+1G>A on transcript NM_022124.6 (MANE Select); the canonical splice donor site of the intron after coding-DNA position 2176, G replaced by A.
Molecular consequence: splice donor variant.
Genome position (GRCh38, 1-based): chr10:71,690,585, G>A. VCF-style: chr10-71690585-G-A. GRCh37 (hg19) VCF-style: chr10-73450342-G-A.
Other names: c.2176+1G>A (NM_001171930.2, NM_001171931.2).
Identifiers: ClinVar variation 2048393 (VCV002048393.5), dbSNP rs2494001370, ClinGen allele CA377134488.